The following is an entry in ClinVar:

ClinVar aggregate classification (germline): Uncertain significance (1 of 4 stars; one submission).

Conditions:
Cone-rod dystrophy 6 (CORD6). Also called: RETINAL CONE DYSTROPHY 2; Cone dystrophy progressive. Identifiers: Orphanet 1872, MedGen C1866293, MONDO:0011143, OMIM 601777.
Leber congenital amaurosis 1 (LCA1). Also called: Congenital absence of the rods and cones; Leber's congenital tapetoretinal degeneration; Leber's congenital tapetoretinal dysplasia; RETINAL BLINDNESS, CONGENITAL; AMAUROSIS CONGENITA OF LEBER I. Identifiers: Orphanet 65, MedGen C2931258, MONDO:0008764, OMIM 204000.

Allele frequency attached by ClinVar (database versions not stated): gnomAD exomes below 0.00001; TOPMed 0.00001.
gnomAD v4.1: 3 of 1,613,960 alleles (0.00019%); highest among the groups gnomAD compares: South Asian, 0.0011%; no homozygotes.

Submission:

Labcorp Genetics (formerly Invitae), Labcorp
Classification: Uncertain significance for Leber congenital amaurosis 1; Cone-rod dystrophy 6. Last evaluated: 2020-12-09. Review status: criteria provided, single submitter. Criteria: Invitae Variant Classification Sherloc (09022015). Collection method: clinical testing. Allele origin: germline.
Comment: In summary, the available evidence is currently insufficient to determine the role of this variant in disease. Therefore, it has been classified as a Variant of Uncertain Significance. Algorithms developed to predict the effect of missense changes on protein structure and function (SIFT, PolyPhen-2, Align-GVGD) all suggest that this variant is likely to be disruptive, but these predictions have not been confirmed by published functional studies and their clinical significance is uncertain. This variant has not been reported in the literature in individuals with GUCY2D-related conditions. This variant is not present in population databases (ExAC no frequency). This sequence change replaces isoleucine with valine at codon 892 of the GUCY2D protein (p.Ile892Val). The isoleucine residue is highly conserved and there is a small physicochemical difference between isoleucine and valine.

NM_000180.4(GUCY2D):c.2674A>G (p.Ile892Val)

Gene: GUCY2D (guanylate cyclase 2D, retinal; plus strand). Cytogenetic location: 17p13.1.
Variant type: single nucleotide variant.
Coding change: c.2674A>G on transcript NM_000180.4 (MANE Select); coding-DNA position 2674, A replaced by G.
Protein change: p.Ile892Val; replaces isoleucine 892 with valine.
Molecular consequence: missense variant.
Genome position (GRCh38, 1-based): chr17:8,014,956, A>G. VCF-style: chr17-8014956-A-G. GRCh37 (hg19) VCF-style: chr17-7918274-A-G.
Other names: short protein forms I892V.
Identifiers: ClinVar variation 1427307 (VCV001427307.8), dbSNP rs1165720101, ClinGen allele CA397954071.